The following is an entry in ClinVar:

ClinVar aggregate classification (germline): Benign/Likely benign. Review status: criteria provided, multiple submitters, no conflicts (2 of 4 stars). 3 submissions from 3 submitters: Benign (2); Likely benign (1). Last evaluated 2026-05-01.

Allele frequency attached by ClinVar (database versions not stated): gnomAD exomes 0.00015 and 0.00042; ExAC 0.00058; gnomAD 0.00175 and 0.00180; ESP Exome Variant Server 0.00185; TOPMed 0.00206; 1000 Genomes Project 0.00319; 1000 Genomes Project 30x 0.00328.
gnomAD v4.1: 495 of 1,613,768 alleles (0.031%); highest among the groups gnomAD compares: African/African-American, 0.56%; 1 homozygote.

Submissions (3):

CeGaT Center for Human Genetics Tuebingen
Classification: Likely benign. Last evaluated: 2026-05-01. Review status: criteria provided, single submitter. Criteria: CeGaT Center For Human Genetics Tuebingen Variant Classification Criteria Version 2. Collection method: clinical testing. Allele origin: germline. Affected: yes. Observed: 1 variant allele.
Comment: ZMIZ1: BP4, BP7

Labcorp Genetics (formerly Invitae), Labcorp
Classification: Benign. Last evaluated: 2026-01-26. Review status: criteria provided, single submitter. Criteria: Invitae Variant Classification Sherloc (09022015). Collection method: clinical testing. Allele origin: germline.

Breakthrough Genomics
Classification: Benign. Review status: criteria provided, single submitter. Criteria: ACMG Guidelines, 2015. Collection method: not provided. Allele origin: germline. Inheritance: Autosomal dominant inheritance. Affected: yes.

NM_020338.4(ZMIZ1):c.2268C>T (p.His756=)

Gene: ZMIZ1 (zinc finger MIZ-type containing 1; plus strand). Cytogenetic location: 10q22.3.
Variant type: single nucleotide variant.
Coding change: c.2268C>T on transcript NM_020338.4 (MANE Select); coding-DNA position 2268, C replaced by T.
Protein change: p.His756=; no amino-acid change (histidine 756 retained).
Molecular consequence: synonymous variant.
Genome position (GRCh38, 1-based): chr10:79,304,157, C>T. VCF-style: chr10-79304157-C-T. GRCh37 (hg19) VCF-style: chr10-81063914-C-T.
Identifiers: ClinVar variation 740228 (VCV000740228.11), dbSNP rs116799693, ClinGen allele CA5572947.